The following is an entry in ClinVar:

ClinVar aggregate classification (germline): Pathogenic/Likely pathogenic. Review status: criteria provided, multiple submitters, no conflicts (2 of 4 stars). 2 submissions from 2 submitters: Pathogenic (1); Likely pathogenic (1). Last evaluated 2025-11-10.

Conditions:
DDX41-related hematologic malignancy predisposition syndrome. Also called: Myeloproliferative/lymphoproliferative neoplasms, familial (multiple types), susceptibility to; DDX41-Associated Familial Myelodysplastic Syndrome and Acute Myeloid Leukemia. Identifiers: Orphanet 488647, MedGen C4225174, MONDO:0014809, OMIM 616871.
Inborn genetic diseases. Identifiers: MedGen C0950123, MeSH D030342.

Submissions (2):

Ambry Genetics
Classification: Pathogenic for Inborn genetic diseases. Last evaluated: 2025-11-10. Review status: criteria provided, single submitter. Criteria: Ambry Variant Classification Scheme 2023. Collection method: clinical testing. Allele origin: germline.
Comment: The c.1558_1571del14 pathogenic mutation, located in coding exon 15 of the DDX41 gene, results from a deletion of 14 nucleotides at nucleotide positions 1558 to 1571, causing a translational frameshift with a predicted alternate stop codon (p.I520Afs*17). This alteration is expected to result in loss of function by premature protein truncation or nonsense-mediated mRNA decay. As such, this alteration is interpreted as a disease-causing mutation.

Juno Genomics, Hangzhou Juno Genomics, Inc
Classification: Likely pathogenic for DDX41-related hematologic malignancy predisposition syndrome. Review status: criteria provided, single submitter. Criteria: ACMG Guidelines, 2015. Collection method: clinical testing. Allele origin: germline.
Comment: Null variant in a gene where loss of function (LOF) is a known mechanism of disease.;Absent from controls (or at extremely low frequency if recessive) in Genome Aggregation Database.

NM_016222.4(DDX41):c.1558_1571del (p.Ile520fs)

Gene: DDX41 (DEAD-box helicase 41; minus strand). Cytogenetic location: 5q35.3.
Variant type: Deletion.
Coding change: c.1558_1571del on transcript NM_016222.4 (MANE Select); coding-DNA positions 1558 to 1571, 14 bases deleted (ATTGGCCGCACCGG).
Protein change: p.Ile520fs; shifts the reading frame from isoleucine 520.
Molecular consequence: frameshift variant.
Genome position (GRCh38, 1-based): chr5:177,512,372-177,512,385, CCGGTGCGGCCAAT deleted on the plus strand (ATTGGCCGCACCGG on the coding strand, the reverse complement: DDX41 is on the minus strand); deleting any 14 consecutive bases within chr5:177,512,372-177,512,391 gives the same sequence; the c. name uses the placement nearest the transcript's 3' end. VCF-style (leftmost placement, unchanged base first): chr5-177512371-CCCGGTGCGGCCAAT-C. GRCh37 (hg19) VCF-style: chr5-176939372-CCCGGTGCGGCCAAT-C.
Other names: c.1180_1193del, p.Ile394fs (NM_001321732.2, NM_001321830.2); short protein forms I394fs, I520fs.
Identifiers: ClinVar variation 4617177 (VCV004617177.3).